The following is an entry in ClinVar:

ClinVar aggregate classification (germline): Uncertain significance. Review status: criteria provided, single submitter (1 of 4 stars). 2 submissions from 2 submitters: Uncertain significance (1). 1 of the submissions does not count toward it. Last evaluated 2026-04-20.

Conditions:
Deficiency of hydroxymethylglutaryl-CoA lyase (HMGCLD). Also called: Defect in leucine metabolism; 3-hydroxy-3-methylglutaric aciduria; HMGCL DEFICIENCY; HYDROXYMETHYLGLUTARIC ACIDURIA; HMG-CoA LYASE DEFICIENCY. Identifiers: Orphanet 20, MedGen C1533587, MONDO:0009520, OMIM 246450.

Submissions (2):

Myriad Genetics, Inc.
Classification: Uncertain significance for Deficiency of hydroxymethylglutaryl-CoA lyase. Last evaluated: 2026-04-20. Review status: criteria provided, single submitter. Criteria: Myriad Autosomal Dominant, Autosomal Recessive and X-Linked Classification Criteria (2023). Collection method: clinical testing. Allele origin: unknown.
Comment: NM_000191.2(HMGCL):c.958C>T(Q320*) is a nonsense variant classified as a variant of uncertain significance in the context of HMG-CoA lyase deficiency. Q320* has not been observed in cases with relevant disease. Relevant functional assessments of this variant are not available in the literature. Q320* has not been observed in referenced population frequency databases. In summary, there is insufficient evidence to classify NM_000191.2(HMGCL):c.958C>T(Q320*) as pathogenic or benign. Please note: this variant was assessed in the context of healthy population screening.

Counsyl
Classification: Uncertain significance for Deficiency of hydroxymethylglutaryl-CoA lyase. Last evaluated: 2017-06-09. Review status: no assertion criteria provided. Collection method: clinical testing. Allele origin: unknown. Not counted in ClinVar's aggregate classification.

NM_000191.3(HMGCL):c.958C>T (p.Gln320Ter)

Gene: HMGCL (3-hydroxy-3-methylglutaryl-CoA lyase; minus strand). Cytogenetic location: 1p36.11.
Variant type: single nucleotide variant.
Coding change: c.958C>T on transcript NM_000191.3 (MANE Select); coding-DNA position 958, C replaced by T.
Protein change: p.Gln320Ter; replaces glutamine 320 with a stop codon.
Molecular consequence: nonsense.
Genome position (GRCh38, 1-based): chr1:23,802,483, G>A on the plus strand (C>T on the coding strand, the complement: HMGCL is on the minus strand). VCF-style: chr1-23802483-G-A. GRCh37 (hg19) VCF-style: chr1-24128973-G-A.
Other names: c.745C>T, p.Gln249Ter (NM_001166059.2); short protein forms Q320*, Q249*.
Identifiers: ClinVar variation 552440 (VCV000552440.3), dbSNP rs1553131326, ClinGen allele CA339019263.